The following is an entry in ClinVar:

NM_000466.3(PEX1):c.2646G>A (p.Pro882=)

Gene: PEX1 (peroxisomal biogenesis factor 1; minus strand). Cytogenetic location: 7q21.2.
Variant type: single nucleotide variant.
Coding change: c.2646G>A on transcript NM_000466.3 (MANE Select); coding-DNA position 2646, G replaced by A.
Protein change: p.Pro882=; no amino-acid change (proline 882 retained).
Molecular consequence: synonymous variant.
Genome position (GRCh38, 1-based): chr7:92,499,776, C>T on the plus strand (G>A on the coding strand, the complement: PEX1 is on the minus strand). VCF-style: chr7-92499776-C-T. GRCh37 (hg19) VCF-style: chr7-92129090-C-T.
Other names: c.2475G>A, p.Pro825= (NM_001282677.2); c.2022G>A, p.Pro674= (NM_001282678.2); c.2646G>A (NM_000466.2).
Identifiers: ClinVar variation 597938 (VCV000597938.15), dbSNP rs775421085, ClinGen allele CA4341062.

ClinVar aggregate classification (germline): Conflicting classifications of pathogenicity. Review status: criteria provided, conflicting classifications (1 of 4 stars). 4 submissions from 4 submitters: Uncertain significance (1); Likely benign (3). Last evaluated 2025-09-04.

Conditions:
PEX1-related disorder. Also called: PEX1-related condition.
Zellweger spectrum disorders (ZS). Also called: Zellweger Spectrum Disorder; Zellweger Spectrum; Zellweger syndrome; Zellweger Spectrum Disorder (ZSD). Identifiers: Orphanet 912, MedGen C0043459, MONDO:0019609.

Allele frequency attached by ClinVar (database versions not stated): gnomAD 0.00003; TOPMed 0.00003.
gnomAD v4.1: 9 of 1,611,934 alleles (0.00056%); highest among the groups gnomAD compares: South Asian, 0.0022%; no homozygotes.

Submissions (4):

PreventionGenetics, part of Exact Sciences
Classification: Likely benign for PEX1-related condition. Last evaluated: 2025-09-04. Review status: criteria provided, single submitter. Criteria: ACMG Guidelines, 2015. Collection method: clinical testing. Allele origin: germline.
Comment: This variant is classified as likely benign based on ACMG/AMP sequence variant interpretation guidelines (Richards et al. 2015 PMID: 25741868, with internal and published modifications).

Labcorp Genetics (formerly Invitae), Labcorp
Classification: Likely benign for Zellweger spectrum disorders. Last evaluated: 2025-05-27. Review status: criteria provided, single submitter. Criteria: Invitae Variant Classification Sherloc (09022015). Collection method: clinical testing. Allele origin: germline.

Laboratory of Genetics, Children's Clinical University Hospital Latvia
Classification: Likely benign. Last evaluated: 2025-02-16. Review status: criteria provided, single submitter. Criteria: ACMG Guidelines, 2015. Collection method: clinical testing. Allele origin: germline. Affected: yes.

Eurofins Ntd Llc (ga)
Classification: Uncertain significance. Last evaluated: 2018-07-05. Review status: criteria provided, single submitter. Criteria: EGL ClinVar v180209 classification definitions. Collection method: clinical testing. Allele origin: germline. Observed: 1 variant allele, 1 heterozygote.